The following is an entry in ClinVar:

ClinVar aggregate classification (germline): Conflicting classifications of pathogenicity. Review status: criteria provided, conflicting classifications (1 of 4 stars). 9 submissions from 9 submitters: Uncertain significance (7); Likely benign (1). 1 of the submissions does not count toward it. Last evaluated 2026-01-26.

Conditions:
BAP1-related disorder. Also called: BAP1-related condition.
BAP1-related tumor predisposition syndrome (TPDS1). Also called: BAP1 tumor predisposition syndrome; TUMOR PREDISPOSITION SYNDROME 1; COMMON Syndrome; Tumor susceptibility linked to germline BAP1 mutations. Identifiers: Orphanet 289539, MedGen C3280492, MONDO:0013692, OMIM 614327.
Hereditary cancer-predisposing syndrome. Also called: Neoplastic Syndromes, Hereditary; Tumor predisposition; Hereditary neoplastic syndrome; Hereditary Cancer Syndrome. Identifiers: Orphanet 140162, MedGen C0027672, MeSH D009386, MONDO:0015356.

Allele frequency attached by ClinVar (database versions not stated): ExAC 0.00001; gnomAD 0.00001; gnomAD exomes 0.00001; TOPMed 0.00001.
gnomAD v4.1: 35 of 1,613,838 alleles (0.0022%); highest among the groups gnomAD compares: Non-Finnish European, 0.003%; no homozygotes.

Submissions (9):

Labcorp Genetics (formerly Invitae), Labcorp
Classification: Uncertain significance for BAP1-related tumor predisposition syndrome. Last evaluated: 2026-01-26. Review status: criteria provided, single submitter. Criteria: Invitae Variant Classification Sherloc (09022015). Collection method: clinical testing. Allele origin: germline.
Comment: This sequence change replaces isoleucine, which is neutral and non-polar, with valine, which is neutral and non-polar, at codon 557 of the BAP1 protein (p.Ile557Val). This variant is present in population databases (rs776549962, gnomAD 0.002%). This variant has not been reported in the literature in individuals affected with BAP1-related conditions. ClinVar contains an entry for this variant (Variation ID: 567857). Invitae Evidence Modeling of protein sequence and biophysical properties (such as structural, functional, and spatial information, amino acid conservation, physicochemical variation, residue mobility, and thermodynamic stability) indicates that this missense variant is not expected to disrupt BAP1 protein function with a negative predictive value of 80%. In summary, the available evidence is currently insufficient to determine the role of this variant in disease. Therefore, it has been classified as a Variant of Uncertain Significance.

ARUP Laboratories, Molecular Genetics and Genomics, ARUP Laboratories
Classification: Uncertain significance. Last evaluated: 2025-04-24. Review status: criteria provided, single submitter. Criteria: ARUP Molecular Germline Variant Investigation Process 2024. Collection method: clinical testing. Allele origin: germline.
Comment: The BAP1 c.1669A>G; p.Ile557Val variant (rs776549962, ClinVar Variation ID: 567857) is reported in the literature in one individual affected with cutaneous melanoma (Yehia 2018). This variant is found in the non-Finnish European population with an allele frequency of 0.0018% (2/113418 alleles) in the Genome Aggregation Database (v2.1.1). Computational analyses predict that this variant is neutral (REVEL: 0.097). Due to limited information, the clinical significance of this variant is uncertain at this time. References: Yehia L et al. Unexpected cancer-predisposition gene variants in Cowden syndrome and Bannayan-Riley-Ruvalcaba syndrome patients without underlying germline PTEN mutations. PLoS Genet. 2018 Apr 23;14(4):e1007352. PMID: 29684080

Center for Genomic Medicine, Rigshospitalet, Copenhagen University Hospital
Classification: Uncertain significance. Last evaluated: 2025-03-04. Review status: criteria provided, single submitter. Criteria: ACMG Guidelines, 2015. Collection method: clinical testing. Allele origin: germline.

Ambry Genetics
Classification: Likely benign for Hereditary cancer-predisposing syndrome. Last evaluated: 2023-12-27. Review status: criteria provided, single submitter. Criteria: Ambry Variant Classification Scheme 2023. Collection method: clinical testing. Allele origin: germline.

Quest Diagnostics Nichols Institute San Juan Capistrano
Classification: Uncertain significance. Last evaluated: 2023-09-19. Review status: criteria provided, single submitter. Criteria: Quest Diagnostics criteria. Collection method: clinical testing. Allele origin: unknown.
Comment: In the published literature, this variant has been reported in an individual with skin cutaneous melanoma (PMID: 29684080 (2018)). The frequency of this variant in the general population, 0.000008 (2/251006 chromosomes (Genome Aggregation Database)), is uninformative in the assessment of its pathogenicity. Analysis of this variant using bioinformatics tools for the prediction of the effect of amino acid changes on protein structure and function yielded predictions that this variant is benign. Based on the available information, we are unable to determine the clinical significance of this variant.

Baylor Genetics
Classification: Uncertain significance for BAP1-related tumor predisposition syndrome. Last evaluated: 2023-05-23. Review status: criteria provided, single submitter. Criteria: ACMG Guidelines, 2015. Collection method: clinical testing. Allele origin: unknown.

GeneDx
Classification: Uncertain significance. Last evaluated: 2023-04-14. Review status: criteria provided, single submitter. Criteria: GeneDx Variant Classification Process June 2021. Collection method: clinical testing. Allele origin: germline. Affected: yes.
Comment: Not observed at significant frequency in large population cohorts (gnomAD); In silico analysis, which includes protein predictors and evolutionary conservation, supports that this variant does not alter protein structure/function; Observed in an individual with cutaneous melanoma (Yehia et al., 2018); This variant is associated with the following publications: (PMID: 29684080)

Color Diagnostics, LLC DBA Color Health
Classification: Uncertain significance for Hereditary cancer-predisposing syndrome. Last evaluated: 2023-03-15. Review status: criteria provided, single submitter. Criteria: ACMG Guidelines, 2015. Collection method: clinical testing. Allele origin: germline.
Comment: This missense variant replaces isoleucine with valine at codon 557 of the BAP1 protein. Computational prediction suggests that this variant may not impact protein structure and function (internally defined REVEL score threshold <= 0.5, PMID: 27666373). To our knowledge, functional studies have not been reported for this variant. This variant has not been reported in individuals affected with BAP1-related disorders in the literature. This variant has been identified in 2/251006 chromosomes in the general population by the Genome Aggregation Database (gnomAD). The available evidence is insufficient to determine the role of this variant in disease conclusively. Therefore, this variant is classified as a Variant of Uncertain Significance.

PreventionGenetics, part of Exact Sciences
Classification: Uncertain significance for BAP1-related condition. Last evaluated: 2023-10-19. Review status: no assertion criteria provided. Collection method: clinical testing. Allele origin: germline. Not counted in ClinVar's aggregate classification.
Comment: The BAP1 c.1669A>G variant is predicted to result in the amino acid substitution p.Ile557Val. To our knowledge, this variant has not been reported in the literature. This variant is reported in 0.0018% of alleles in individuals of European (Non-Finnish) descent in gnomAD. At this time, the clinical significance of this variant is uncertain due to the absence of conclusive functional and genetic evidence.

Literature cited by the submitters: PubMed 29684080 (cited by Ambry Genetics and Quest Diagnostics Nichols Institute San Juan Capistrano).

NM_004656.4(BAP1):c.1669A>G (p.Ile557Val)

Gene: BAP1 (BRCA1 associated deubiquitinase 1; minus strand). Cytogenetic location: 3p21.1.
Variant type: single nucleotide variant.
Coding change: c.1669A>G on transcript NM_004656.4 (MANE Select); coding-DNA position 1669, A replaced by G.
Protein change: p.Ile557Val; replaces isoleucine 557 with valine.
Molecular consequence: missense variant.
Genome position (GRCh38, 1-based): chr3:52,403,476, T>C on the plus strand (A>G on the coding strand, the complement: BAP1 is on the minus strand). VCF-style: chr3-52403476-T-C. GRCh37 (hg19) VCF-style: chr3-52437492-T-C.
Other names: short protein forms I557V.
Identifiers: ClinVar variation 567857 (VCV000567857.29), dbSNP rs776549962, ClinGen allele CA2436758.